The following is an entry in ClinVar:

ClinVar aggregate classification (germline): Likely benign. Review status: criteria provided, multiple submitters, no conflicts (2 of 4 stars). 3 submissions from 3 submitters: Likely benign (3). Last evaluated 2023-09-04.

Conditions:
Catecholaminergic polymorphic ventricular tachycardia (CVPT). Also called: Catecholamine-induced polymorphic ventricular tachycardia. Identifiers: Orphanet 3286, MedGen C5574922, MONDO:0017990.
Catecholaminergic polymorphic ventricular tachycardia 1. Also called: VENTRICULAR TACHYCARDIA, CATECHOLAMINERGIC POLYMORPHIC, 1, WITH OR WITHOUT ATRIAL DYSFUNCTION AND/OR DILATED CARDIOMYOPATHY; RYR2-Related Catecholaminergic Polymorphic Ventricular Tachycardia; VENTRICULAR TACHYCARDIA, STRESS-INDUCED POLYMORPHIC 1. Identifiers: Orphanet 3286, MedGen C1631597, MONDO:0011484, OMIM 604772.
Cardiomyopathy (CMYO). Also called: Cardiomyopathies. Identifiers: Orphanet 167848, MedGen C0878544, MONDO:0004994, HP:0001638. Inheritance: Various modes of inheritance.

Allele frequency attached by ClinVar (database versions not stated): gnomAD exomes 0.00001; ExAC 0.00002.
gnomAD v4.1: 19 of 1,588,192 alleles (0.0012%); highest among the groups gnomAD compares: Non-Finnish European, 0.0015%; no homozygotes.

Submissions (3):

All of Us Research Program, National Institutes of Health
Classification: Likely benign for Catecholaminergic polymorphic ventricular tachycardia. Last evaluated: 2023-09-04. Review status: criteria provided, single submitter. Criteria: ACMG Guidelines, 2015. Collection method: clinical testing. Allele origin: germline. Inheritance: Autosomal dominant inheritance. Observed: 1 variant allele, 1 heterozygote.
Comment: This study involves interpretation of variants in research participants for the purpose of population health screening. Participant phenotype was not available at the time of variant classification. Additional details can be found in publication PMID: 35346344, PMCID: PMC8962531

Labcorp Genetics (formerly Invitae), Labcorp
Classification: Likely benign for Catecholaminergic polymorphic ventricular tachycardia 1. Last evaluated: 2022-10-14. Review status: criteria provided, single submitter. Criteria: Invitae Variant Classification Sherloc (09022015). Collection method: clinical testing. Allele origin: germline.

Color Diagnostics, LLC DBA Color Health
Classification: Likely benign for Cardiomyopathy. Last evaluated: 2019-11-11. Review status: criteria provided, single submitter. Criteria: ACMG Guidelines, 2015. Collection method: clinical testing. Allele origin: germline.

NM_001035.3(RYR2):c.6786A>G (p.Leu2262=)

Gene: RYR2 (ryanodine receptor 2; plus strand). Cytogenetic location: 1q43.
Variant type: single nucleotide variant.
Coding change: c.6786A>G on transcript NM_001035.3 (MANE Select); coding-DNA position 6786, A replaced by G.
Protein change: p.Leu2262=; no amino-acid change (leucine 2262 retained).
Molecular consequence: synonymous variant.
Genome position (GRCh38, 1-based): chr1:237,634,986, A>G. VCF-style: chr1-237634986-A-G. GRCh37 (hg19) VCF-style: chr1-237798286-A-G.
Identifiers: ClinVar variation 921533 (VCV000921533.7), dbSNP rs747343896, ClinGen allele CA087213.